The following is an entry in ClinVar:

NM_000051.4(ATM):c.3077+8C>T

Gene: ATM (ATM serine/threonine kinase; plus strand). Cytogenetic location: 11q22.3.
Variant type: single nucleotide variant.
Coding change: c.3077+8C>T on transcript NM_000051.4 (MANE Select); 8 bases into the intron after coding-DNA position 3077, C replaced by T.
Molecular consequence: intron variant.
Genome position (GRCh38, 1-based): chr11:108,271,414, C>T. VCF-style: chr11-108271414-C-T. GRCh37 (hg19) VCF-style: chr11-108142141-C-T.
Other names: c.3077+8C>T (NM_001351834.2).
Identifiers: ClinVar variation 757180 (VCV000757180.10), dbSNP rs752601608, ClinGen allele CA671408711.
Genomic context (GRCh38, chr11:108,271,414, plus strand): 5'-GAGAACACAAGGGATGCTCAAGGACAGTTTCTTACAGTAATTGGAGCATTTTGGTAGGTA[C>T]AGTCTATTTTGTGGTCCTATTTTTCTTTTGCTATCTGTGGATACGAATGCAAGTTTTGTA-3'

ClinVar aggregate classification (germline): Likely benign. Review status: criteria provided, multiple submitters, no conflicts (2 of 4 stars). 3 submissions from 3 submitters: Likely benign (3). Last evaluated 2025-11-30.

Conditions:
Hereditary cancer-predisposing syndrome. Also called: Tumor predisposition; Hereditary Cancer Syndrome; Neoplastic Syndromes, Hereditary; Hereditary neoplastic syndrome. Identifiers: Orphanet 140162, MedGen C0027672, MeSH D009386, MONDO:0015356.
Familial cancer of breast. Also called: Hereditary breast cancer; BREAST CANCER, FAMILIAL; hereditary breast carcinoma. Identifiers: Orphanet 227535, MedGen C0346153, MONDO:0016419, OMIM 114480. Disease mechanism: loss of function.
Ataxia-telangiectasia syndrome (AT). Also called: Ataxia telangiectasia (A-T); Cerebello-oculocutaneous telangiectasia; Immunodeficiency with ataxia telangiectasia; LOUIS-BAR SYNDROME; ATAXIA-TELANGIECTASIA, FRESNO VARIANT; Ataxia-telangiectasia, complementation group D. Identifiers: Orphanet 100, MedGen C0004135, MONDO:0008840, OMIM 208900.

Allele frequency attached by ClinVar (database versions not stated): TOPMed 0.00001.

Submissions (3):

Labcorp Genetics (formerly Invitae), Labcorp
Classification: Likely benign for Ataxia-telangiectasia syndrome. Last evaluated: 2025-11-30. Review status: criteria provided, single submitter. Criteria: Invitae Variant Classification Sherloc (09022015). Collection method: clinical testing. Allele origin: germline.

Myriad Genetics, Inc.
Classification: Likely benign for Familial cancer of breast. Last evaluated: 2024-05-13. Review status: criteria provided, single submitter. Criteria: Myriad Autosomal Dominant, Autosomal Recessive and X-Linked Classification Criteria (2023). Collection method: clinical testing. Allele origin: unknown.
Comment: This variant is considered likely benign. This variant is intronic and is not expected to impact mRNA splicing.

Color Diagnostics, LLC DBA Color Health
Classification: Likely benign for Hereditary cancer-predisposing syndrome. Last evaluated: 2018-10-17. Review status: criteria provided, single submitter. Criteria: ACMG Guidelines, 2015. Collection method: clinical testing. Allele origin: germline.